The following is an entry in ClinVar:

NM_024580.6(EFL1):c.2947G>A (p.Ala983Thr)

Gene: EFL1 (elongation factor like GTPase 1; minus strand). Cytogenetic location: 15q25.2.
Variant type: single nucleotide variant.
Coding change: c.2947G>A on transcript NM_024580.6 (MANE Select); coding-DNA position 2947, G replaced by A.
Protein change: p.Ala983Thr; replaces alanine 983 with threonine.
Molecular consequence: missense variant. On other transcripts: non-coding transcript variant (1).
Genome position (GRCh38, 1-based): chr15:82,151,507, C>T on the plus strand (G>A on the coding strand, the complement: EFL1 is on the minus strand). VCF-style: chr15-82151507-C-T. GRCh37 (hg19) VCF-style: chr15-82443848-C-T.
Other names: c.2794G>A, p.Ala932Thr (NM_001040610.3); c.2158G>A, p.Ala720Thr (NM_001322844.2); c.2947G>A, p.Ala983Thr (NM_001322845.2); short protein forms A720T, A932T, A983T.
Identifiers: ClinVar variation 1388558 (VCV001388558.6), dbSNP rs1382067902, ClinGen allele CA393285657.

ClinVar aggregate classification (germline): Uncertain significance (1 of 4 stars; one submission).

Allele frequency attached by ClinVar (database versions not stated): gnomAD exomes below 0.00001.

Submission:

Labcorp Genetics (formerly Invitae), Labcorp
Classification: Uncertain significance. Last evaluated: 2022-07-19. Review status: criteria provided, single submitter. Criteria: Invitae Variant Classification Sherloc (09022015). Collection method: clinical testing. Allele origin: germline.
Comment: In summary, the available evidence is currently insufficient to determine the role of this variant in disease. Therefore, it has been classified as a Variant of Uncertain Significance. Algorithms developed to predict the effect of missense changes on protein structure and function are either unavailable or do not agree on the potential impact of this missense change (SIFT: "Deleterious"; PolyPhen-2: "Probably Damaging"; Align-GVGD: "Class C0"). ClinVar contains an entry for this variant (Variation ID: 1388558). This variant has not been reported in the literature in individuals affected with EFL1-related conditions. This variant is present in population databases (no rsID available, gnomAD 0.003%). This sequence change replaces alanine, which is neutral and non-polar, with threonine, which is neutral and polar, at codon 983 of the EFL1 protein (p.Ala983Thr).